The following is an entry in ClinVar:

NM_000284.4(PDHA1):c.1083_1102dup (p.Ile368fs)

Gene: PDHA1 (pyruvate dehydrogenase E1 subunit alpha 1; plus strand). Cytogenetic location: Xp22.12.
Variant type: Duplication.
Coding change: c.1083_1102dup on transcript NM_000284.4 (MANE Select); coding-DNA positions 1083 to 1102, 20 bases duplicated (GGAAGAGCTGGGCTACCACA).
Protein change: p.Ile368fs; shifts the reading frame from isoleucine 368.
Molecular consequence: frameshift variant.
Genome position (GRCh38, 1-based): chrX:19,359,563-19,359,582, GGAAGAGCTGGGCTACCACA duplicated. VCF-style (leftmost placement, unchanged base first): chrX-19359562-T-TGGAAGAGCTGGGCTACCACA. GRCh37 (hg19) VCF-style: chrX-19377680-T-TGGAAGAGCTGGGCTACCACA.
Other names: c.1197_1216dup, p.Ile406fs (NM_001173454.2); c.1104_1123dup, p.Ile375fs (NM_001173455.2); c.990_1009dup, p.Ile337fs (NM_001173456.2); short protein forms I337fs, I368fs, I375fs, I406fs.
Identifiers: ClinVar variation 4070446 (VCV004070446.1).

ClinVar aggregate classification (germline): Pathogenic (0 of 4 stars; one submission).

Conditions:
Pyruvate dehydrogenase E1-alpha deficiency (PDHAD). Also called: ATAXIA, INTERMITTENT, WITH PYRUVATE DEHYDROGENASE DEFICIENCY; ATAXIA WITH LACTIC ACIDOSIS I; ATAXIA, INTERMITTENT, WITH ABNORMAL PYRUVATE METABOLISM; Ataxia, intermittent, with pyruvate dehydrogenase, or decarboxylase, deficiency. Identifiers: Orphanet 79243, MedGen C1839413, MONDO:0010717, OMIM 312170.

Submission:

PDHA1 Study Group, University Children’s Hospital, Paracelsus Medical University
Classification: Pathogenic for Pyruvate dehydrogenase E1-alpha deficiency. Last evaluated: 2024-10-15. Review status: no assertion criteria provided. Collection method: research. Allele origin: germline. Affected: yes. Observed: 1 variant allele.
Comment: The NM_000284.3:c.1083_1102dup (p.Ile368ArgfsTer63) change is a frameshift variant in PDHA1 gene. This variant is predicted to escape nonsense-mediated decay (NMD). The variant has been reported in 1 published case (PMIDs: 23021068, 8352855). Last literature search: July 12, 2024. This variant is absent or extremely rare in population-based cohorts in the Genome Aggregation Database (gnomAD). Individuals harboring this variant presented with clinical features compatible with PDHA1-related PDHc deficiency. In summary, this variant meets criteria to be classified as pathogenic (P) for PDHA1-related PDHc deficiency based on the ACMG/AMP criteria applied: PVS1, PM2, PM7 (last assessment October 15, 2024).

Literature cited by the submitters: PubMed 23021068; PubMed 8352855; DOI 10.1093/brain/awaf430.